The following is an entry in ClinVar:

NM_001370100.5(ZMYND11):c.573G>C (p.Leu191=)

Gene: ZMYND11 (zinc finger MYND-type containing 11; plus strand). Cytogenetic location: 10p15.3.
Variant type: single nucleotide variant.
Coding change: c.573G>C on transcript NM_001370100.5 (MANE Select); coding-DNA position 573, G replaced by C.
Protein change: p.Leu191=; no amino-acid change (leucine 191 retained).
Molecular consequence: synonymous variant. On other transcripts: non-coding transcript variant (1), intron variant (4).
Genome position (GRCh38, 1-based): chr10:237,641, G>C. VCF-style: chr10-237641-G-C. GRCh37 (hg19) VCF-style: chr10-283581-G-C.
Other names: c.411G>C, p.Leu137= (NM_001202464.3, NM_001202466.3, NM_001202467.1 and 9 more transcripts); c.573G>C, p.Leu191= (NM_001202468.1, NM_001370097.3, NM_001370098.2 and 8 more transcripts); c.522G>C, p.Leu174= (NM_001330057.3, NM_001370112.2); c.507G>C, p.Leu169= (NM_001370116.2); c.453G>C, p.Leu151= (NM_001370118.2); c.345G>C, p.Leu115= (NM_001370120.2); c.291G>C, p.Leu97= (NM_001370121.2); c.360G>C, p.Leu120= (NM_001370123.2); and 3 more.
Identifiers: ClinVar variation 3338583 (VCV003338583.1).

ClinVar aggregate classification (germline): Uncertain significance (1 of 4 stars; one submission).

Submission:

Greenwood Genetic Center Diagnostic Laboratories, Greenwood Genetic Center
Classification: Uncertain significance. Last evaluated: 2024-04-09. Review status: criteria provided, single submitter. Criteria: ACMG Guidelines, 2015. Collection method: clinical testing. Allele origin: germline. Affected: yes.
Comment: PM2, BP4